The following is an entry in ClinVar:

NM_017739.4(POMGNT1):c.1436del (p.Met479fs)

Genes: POMGNT1 (protein O-linked mannose N-acetylglucosaminyltransferase 1 (beta 1,2-); minus strand), TSPAN1 (tetraspanin 1; plus strand). Cytogenetic location: 1p34.1.
Variant type: Deletion.
Coding change: c.1436del on transcript NM_017739.4 (MANE Select); coding-DNA position 1436, one base deleted (T; older notation c.1436delT).
Protein change: p.Met479fs; shifts the reading frame from methionine 479.
Molecular consequence: frameshift variant.
Genome position (GRCh38, 1-based): chr1:46,192,201, A deleted on the plus strand (T on the coding strand, the reverse complement: POMGNT1 is on the minus strand). VCF-style (leftmost placement, unchanged base first): chr1-46192200-CA-C. GRCh37 (hg19) VCF-style: chr1-46657872-CA-C.
Other names: c.1436del, p.Met479fs (NM_001243766.2, NM_001410783.1); c.1370delT, p.Met457Serfs (NM_001290129.3); c.1007del, p.Met336fs (NM_001290130.2); short protein forms M336fs, M457fs, M479fs.
Identifiers: ClinVar variation 2121735 (VCV002121735.4), dbSNP rs2525383534, ClinGen allele CA2580062931.

ClinVar aggregate classification (germline): Pathogenic (1 of 4 stars; one submission).

Conditions:
Autosomal recessive limb-girdle muscular dystrophy type 2O. Also called: Limb-Girdle Muscular Dystrophy Type 3C; MUSCULAR DYSTROPHY-DYSTROGLYCANOPATHY (LIMB-GIRDLE), TYPE C, 3; MUSCULAR DYSTROPHY-DYSTROGLYCANOPATHY, LIMB-GIRDLE, POMGNT1-RELATED. Identifiers: Orphanet 206564, MedGen C3150417, MONDO:0013161, OMIM 613157.
Muscular dystrophy-dystroglycanopathy (congenital with impaired intellectual development), type B, 3. Also called: Muscular dystrophy-dystroglycanopathy (congenital with intellectual disability), type B3; MUSCULAR DYSTROPHY, CONGENITAL, POMGNT1-RELATED. Identifiers: MedGen C3150412, MONDO:0013155, OMIM 613151.

Submission:

Labcorp Genetics (formerly Invitae), Labcorp
Classification: Pathogenic for Autosomal recessive limb-girdle muscular dystrophy type 2O; Muscular dystrophy-dystroglycanopathy (congenital with impaired intellectual development), type B, 3. Last evaluated: 2022-04-05. Review status: criteria provided, single submitter. Criteria: Invitae Variant Classification Sherloc (09022015). Collection method: clinical testing. Allele origin: germline.
Comment: This sequence change creates a premature translational stop signal (p.Met479Serfs*30) in the POMGNT1 gene. It is expected to result in an absent or disrupted protein product. Loss-of-function variants in POMGNT1 are known to be pathogenic (PMID: 19299310, 20816175, 21447391, 26908613, 27391550). This variant is not present in population databases (gnomAD no frequency). This variant has not been reported in the literature in individuals affected with POMGNT1-related conditions. For these reasons, this variant has been classified as Pathogenic.

Literature cited by the submitters: PubMed 19299310; PubMed 20816175; PubMed 21447391; PubMed 26908613; PubMed 27391550.